The following is an entry in ClinVar:

ClinVar aggregate classification (germline): Likely benign. Review status: criteria provided, multiple submitters, no conflicts (2 of 4 stars). 5 submissions from 5 submitters: Likely benign (5). Last evaluated 2026-06-01.

Conditions:
Fanconi anemia (FA). Also called: Fanconi's anemia. Identifiers: Orphanet 84, MedGen C0015625, MeSH D005199, MONDO:0019391.
Inborn genetic diseases. Identifiers: MedGen C0950123, MeSH D030342.
Fanconi anemia complementation group G. Also called: FANCG-Related Fanconi Anemia; Fanconi anemia group G. Identifiers: Orphanet 84, MedGen C3469527, MONDO:0013565, OMIM 614082.

Allele frequency attached by ClinVar (database versions not stated): gnomAD 0.00001 and 0.00002; ExAC 0.00003; gnomAD exomes 0.00003 and 0.00005; TOPMed 0.00003; ESP Exome Variant Server 0.00008.
gnomAD v4.1: 87 of 1,613,946 alleles (0.0054%); highest among the groups gnomAD compares: Non-Finnish European, 0.0064%; no homozygotes.

Submissions (5):

CeGaT Center for Human Genetics Tuebingen
Classification: Likely benign. Last evaluated: 2026-06-01. Review status: criteria provided, single submitter. Criteria: CeGaT Center For Human Genetics Tuebingen Variant Classification Criteria Version 2. Collection method: clinical testing. Allele origin: germline. Affected: yes. Observed: 1 variant allele.
Comment: FANCG: BP4, BP7

Labcorp Genetics (formerly Invitae), Labcorp
Classification: Likely benign for Fanconi anemia. Last evaluated: 2026-01-28. Review status: criteria provided, single submitter. Criteria: Invitae Variant Classification Sherloc (09022015). Collection method: clinical testing. Allele origin: germline.

Ambry Genetics
Classification: Likely benign for Inborn genetic diseases. Last evaluated: 2024-12-06. Review status: criteria provided, single submitter. Criteria: Ambry Variant Classification Scheme 2023. Collection method: clinical testing. Allele origin: germline.

Blueprint Genetics
Classification: Likely benign. Last evaluated: 2024-08-22. Review status: criteria provided, single submitter. Criteria: ACMG Guidelines, 2015. Collection method: clinical testing. Allele origin: germline.

Fulgent Genetics
Classification: Likely benign for Fanconi anemia complementation group G. Last evaluated: 2022-02-11. Review status: criteria provided, single submitter. Criteria: ACMG Guidelines, 2015. Collection method: clinical testing. Allele origin: unknown.

NM_004629.2(FANCG):c.1086C>T (p.Asp362=)

Gene: FANCG (FA complementation group G; minus strand). Cytogenetic location: 9p13.3.
Variant type: single nucleotide variant.
Coding change: c.1086C>T on transcript NM_004629.2 (MANE Select); coding-DNA position 1086, C replaced by T.
Protein change: p.Asp362=; no amino-acid change (aspartic acid 362 retained).
Molecular consequence: synonymous variant.
Genome position (GRCh38, 1-based): chr9:35,076,019, G>A on the plus strand (C>T on the coding strand, the complement: FANCG is on the minus strand). VCF-style: chr9-35076019-G-A. GRCh37 (hg19) VCF-style: chr9-35076016-G-A.
Identifiers: ClinVar variation 696842 (VCV000696842.15), dbSNP rs376623996, ClinGen allele CA5039840.